The following is an entry in ClinVar:

NM_004360.5(CDH1):c.1480G>T (p.Glu494Ter)

Gene: CDH1 (cadherin 1; plus strand). Cytogenetic location: 16q22.1.
Variant type: single nucleotide variant.
Coding change: c.1480G>T on transcript NM_004360.5 (MANE Select); coding-DNA position 1480, G replaced by T.
Protein change: p.Glu494Ter; replaces glutamic acid 494 with a stop codon.
Molecular consequence: nonsense. On other transcripts: 5 prime UTR variant (2).
Genome position (GRCh38, 1-based): chr16:68,815,674, G>T. VCF-style: chr16-68815674-G-T. GRCh37 (hg19) VCF-style: chr16-68849577-G-T.
Other names: c.1480G>T (LRG_301t1); c.1297G>T, p.Glu433Ter (NM_001317184.2); c.-69G>T (NM_001317185.2); c.-340G>T (NM_001317186.2); short protein forms E494*, E433*.
Identifiers: ClinVar variation 485481 (VCV000485481.8), dbSNP rs778871891, ClinGen allele CA396463169.

ClinVar aggregate classification (germline): Pathogenic. Review status: reviewed by expert panel (3 of 4 stars). 3 submissions from 3 submitters: Pathogenic (1). 2 of the submissions do not count toward it. Last evaluated 2023-08-04.

Conditions:
CDH1-related diffuse gastric and lobular breast cancer syndrome. Also called: CDH1-related diffuse gastric and lobular breast cancer. Identifiers: MedGen CN311521, MONDO:0100488.
Hereditary cancer-predisposing syndrome. Also called: Hereditary neoplastic syndrome; Neoplastic Syndromes, Hereditary; Tumor predisposition; Hereditary Cancer Syndrome. Identifiers: Orphanet 140162, MedGen C0027672, MeSH D009386, MONDO:0015356.
Hereditary diffuse gastric adenocarcinoma (HDGC). Also called: DIFFUSE GASTRIC AND LOBULAR BREAST CANCER SYNDROME. Identifiers: Orphanet 26106, MedGen C1708349, MONDO:0007648, OMIM 137215.

gnomAD v4.1: 1 of 1,614,226 alleles (0.000062%); highest among the groups gnomAD compares: Non-Finnish European, 0.000085%; no homozygotes.

Submissions (3):

Clingen Gastric Cancer Variant Curation Expert Panel
Classification: Pathogenic for CDH1-related diffuse gastric and lobular breast cancer syndrome. Last evaluated: 2023-08-04. Review status: reviewed by expert panel. Criteria: ClinGen CDH1 ACMG Specifications V3.1. Collection method: curation. Allele origin: germline. Inheritance: Autosomal dominant inheritance.
Comment: The c.1480G>T p.(Glu494Ter) variant is predicted to result in a premature stop codon that leads to nonsense mediate decay (PVS1 and PM5_supporting). The variant is absent in the gnomAD cohort (PM2_supporting). Therefore, this variant meets criteria to be classified as pathogenic based on the ACMG/AMP criteria applied as specified by the CDH1 Variant Curation Expert Panel (CDH1 VCEP specifications version 3.1): PVS1, PM2_supporting, PM5_supporting.

Myriad Genetics, Inc.
Classification: Pathogenic for Hereditary diffuse gastric adenocarcinoma. Last evaluated: 2023-06-14. Review status: criteria provided, single submitter. Criteria: Myriad Autosomal Dominant, Autosomal Recessive and X-Linked Classification Criteria (2023). Collection method: clinical testing. Allele origin: unknown. Not counted in ClinVar's aggregate classification.
Comment: This variant is considered pathogenic. This variant creates a termination codon and is predicted to result in premature protein truncation.

Ambry Genetics
Classification: Pathogenic for Hereditary cancer-predisposing syndrome. Last evaluated: 2017-06-27. Review status: criteria provided, single submitter. Criteria: Ambry Variant Classification Scheme 2023. Collection method: clinical testing. Allele origin: germline. Not counted in ClinVar's aggregate classification.
Comment: The p.E494* variant (also known as c.1480G>T), located in coding exon 10 of the CDH1 gene, results from a G to T substitution at nucleotide position 1480. This changes the amino acid from a glutamic acid to a stop codon within coding exon 10. This alteration is expected to result in loss of function by premature protein truncation or nonsense-mediated mRNA decay. As such, this alteration is interpreted as a disease-causing mutation.